The following is an entry in ClinVar:

ClinVar aggregate classification (germline): Conflicting classifications of pathogenicity. Review status: criteria provided, conflicting classifications (1 of 4 stars). 2 submissions from 2 submitters: Uncertain significance (1); Likely benign (1). Last evaluated 2021-02-25.

Conditions:
Maturity-onset diabetes of the young (MODY). Also called: Maturity onset diabetes mellitus in young. Identifiers: Orphanet 552, MedGen C0342276, MONDO:0018911, HP:0004904.

Submissions (2):

Women's Health and Genetics/Laboratory Corporation of America, LabCorp
Classification: Uncertain significance. Last evaluated: 2021-02-25. Review status: criteria provided, single submitter. Criteria: LabCorp Variant Classification Summary - May 2015. Collection method: clinical testing. Allele origin: germline.
Comment: Variant summary: HNF1A c.680_683delins10 (p.Glu227_Glu228delinsValLeuHisLeu) results in an in-frame deletion-insertion that is predicted to delete 2 amino acids from the protein and also insert 4 amino acids. The variant was absent in 251198 control chromosomes (gnomAD). To our knowledge, no occurrence of c.680_683delins10 in individuals affected with Maturity Onset Diabetes of the Young 3 and no experimental evidence demonstrating its impact on protein function have been reported. No clinical diagnostic laboratories have submitted clinical-significance assessments for this variant to ClinVar after 2014. Based on the evidence outlined above, the variant was classified as uncertain significance.

Clinical Genomics, Uppaluri K&H Personalized Medicine Clinic
Classification: Likely benign for Maturity-onset diabetes of the young. Review status: criteria provided, single submitter. Criteria: K & H Uppaluri Personalized Medicine Clinic Variant Classification & Assertion Criteria_Updated V.1. Collection method: research. Allele origin: unknown. Inheritance: Autosomal dominant inheritance.
Comment: Mutations in HNF1A gene can predispose to MODY3. It is associated with both micro and macrovascular complications of diabetes, especially cardiovascular complications. Associated with glucosuria. May respond well to sulfonylureas. However, more evidence is required to confer the association of this particular variant rs1876937295 with MODY3.

Literature cited by the submitters: PubMed 31517624 (cited by Clinical Genomics, Uppaluri K&H Personalized Medicine Clinic); PubMed 35328643 (cited by Clinical Genomics, Uppaluri K&H Personalized Medicine Clinic); PubMed 32395877 (cited by Clinical Genomics, Uppaluri K&H Personalized Medicine Clinic); PubMed 35673428 (cited by Clinical Genomics, Uppaluri K&H Personalized Medicine Clinic).

NM_000545.8(HNF1A):c.680_683delinsTCCTCCACTT (p.Glu227_Glu228delinsValLeuHisLeu)

Gene: HNF1A (HNF1 homeobox A; plus strand). Cytogenetic location: 12q24.31.
Variant type: Indel.
Coding change: c.680_683delinsTCCTCCACTT on transcript NM_000545.8 (MANE Select); coding-DNA positions 680 to 683, AGGA replaced by TCCTCCACTT.
Protein change: p.Glu227_Glu228delinsValLeuHisLeu.
Molecular consequence: inframe indel.
Genome position (GRCh38, 1-based): chr12:120,993,673-120,993,676, AGGA replaced by TCCTCCACTT. VCF-style: chr12-120993673-AGGA-TCCTCCACTT. GRCh37 (hg19) VCF-style: chr12-121431476-AGGA-TCCTCCACTT.
Other names: c.680_683delinsTCCTCCACTT, p.Glu227_Glu228delinsValLeuHisLeu (NM_001306179.2).
Identifiers: ClinVar variation 997923 (VCV000997923.2), dbSNP rs1876937295, ClinGen allele CA2067678443.